The following is an entry in ClinVar:

NM_004817.4(TJP2):c.720C>A (p.Ser240Arg)

Gene: TJP2 (tight junction protein 2; plus strand). Cytogenetic location: 9q21.11.
Variant type: single nucleotide variant.
Coding change: c.720C>A on transcript NM_004817.4 (MANE Select); coding-DNA position 720, C replaced by A.
Protein change: p.Ser240Arg; replaces serine 240 with arginine.
Molecular consequence: missense variant.
Genome position (GRCh38, 1-based): chr9:69,221,264, C>A. VCF-style: chr9-69221264-C-A. GRCh37 (hg19) VCF-style: chr9-71836180-C-A.
Other names: c.651C>A, p.Ser217Arg (NM_001170414.2, NM_001369870.1, NM_001369871.1); c.732C>A, p.Ser244Arg (NM_001170415.1, NM_001369874.1, NM_001369875.1); c.813C>A, p.Ser271Arg (NM_001170416.2); c.720C>A, p.Ser240Arg (NM_001369872.1, NM_001369873.1, NM_201629.3); short protein forms S217R, S240R, S244R, S271R.
Identifiers: ClinVar variation 1307766 (VCV001307766.2), dbSNP rs1828820699, ClinGen allele CA373529114.

ClinVar aggregate classification (germline): Uncertain significance (1 of 4 stars; one submission).

Allele frequency attached by ClinVar (database versions not stated): gnomAD exomes below 0.00001.
gnomAD v4.1: 5 of 1,608,218 alleles (0.00031%); highest among the groups gnomAD compares: Non-Finnish European, 0.00042%; no homozygotes.

Submission:

GeneDx
Classification: Uncertain significance. Last evaluated: 2019-08-12. Review status: criteria provided, single submitter. Criteria: GeneDx Variant Classification Process June 2021. Collection method: clinical testing. Allele origin: germline. Affected: yes.
Comment: Not observed in large population cohorts (Lek et al., 2016); In silico analysis, which includes protein predictors and evolutionary conservation, supports that this variant does not alter protein structure/function; Has not been previously published as pathogenic or benign to our knowledge